The following is an entry in ClinVar:

ClinVar aggregate classification (germline): Uncertain significance (1 of 4 stars; one submission).

Allele frequency attached by ClinVar (database versions not stated): gnomAD exomes below 0.00001.
gnomAD v4.1: 2 of 1,614,198 alleles (0.00012%); highest among the groups gnomAD compares: Non-Finnish European, 0.00017%; no homozygotes.

Submission:

Labcorp Genetics (formerly Invitae), Labcorp
Classification: Uncertain significance. Last evaluated: 2023-06-14. Review status: criteria provided, single submitter. Criteria: Invitae Variant Classification Sherloc (09022015). Collection method: clinical testing. Allele origin: germline.
Comment: This variant is not present in population databases (gnomAD no frequency). In summary, the available evidence is currently insufficient to determine the role of this variant in disease. Therefore, it has been classified as a Variant of Uncertain Significance. An algorithm developed to predict the effect of missense changes on protein structure and function (PolyPhen-2) suggests that this variant is likely to be disruptive. This variant has not been reported in the literature in individuals affected with MYLK3-related conditions. This sequence change replaces glutamic acid, which is acidic and polar, with glutamine, which is neutral and polar, at codon 263 of the MYLK3 protein (p.Glu263Gln).

NM_182493.3(MYLK3):c.787G>C (p.Glu263Gln)

Gene: MYLK3 (myosin light chain kinase 3; minus strand). Cytogenetic location: 16q11.2.
Variant type: single nucleotide variant.
Coding change: c.787G>C on transcript NM_182493.3 (MANE Select); coding-DNA position 787, G replaced by C.
Protein change: p.Glu263Gln; replaces glutamic acid 263 with glutamine.
Molecular consequence: missense variant. On other transcripts: intron variant (1).
Genome position (GRCh38, 1-based): chr16:46,737,925, C>G on the plus strand (G>C on the coding strand, the complement: MYLK3 is on the minus strand). VCF-style: chr16-46737925-C-G. GRCh37 (hg19) VCF-style: chr16-46771837-C-G.
Other names: c.-23+2132G>C (NM_001308301.1); short protein forms E263Q.
Identifiers: ClinVar variation 2865151 (VCV002865151.3), dbSNP rs2548908002, ClinGen allele CA395794228.